The following is an entry in ClinVar:

NM_001130438.3(SPTAN1):c.505-20C>T

Gene: SPTAN1 (spectrin alpha, non-erythrocytic 1; plus strand). Cytogenetic location: 9q34.11.
Variant type: single nucleotide variant.
Coding change: c.505-20C>T on transcript NM_001130438.3 (MANE Select); 20 bases into the intron before coding-DNA position 505, C replaced by T.
Molecular consequence: intron variant.
Genome position (GRCh38, 1-based): chr9:128,575,179, C>T. VCF-style: chr9-128575179-C-T. GRCh37 (hg19) VCF-style: chr9-131337458-C-T.
Other names: c.505-20C>T (NM_001363759.2, NM_003127.4, NM_001363765.2 and 1 more transcripts).
Identifiers: ClinVar variation 384942 (VCV000384942.9), dbSNP rs779640676, ClinGen allele CA16605503.

ClinVar aggregate classification (germline): Likely benign. Review status: criteria provided, multiple submitters, no conflicts (2 of 4 stars). 2 submissions from 2 submitters: Likely benign (2). Last evaluated 2025-10-23.

Conditions:
Early-infantile DEE. Also called: Ohtahara syndrome; Early infantile epileptic encephalopathy with suppression bursts; Early infantile epileptic encephalopathy. Identifiers: Orphanet 1934, MedGen C0393706, MONDO:0800491.

gnomAD v4.1: 4 of 1,614,124 alleles (0.00025%); highest among the groups gnomAD compares: Admixed American, 0.005%; no homozygotes.

Submissions (2):

Labcorp Genetics (formerly Invitae), Labcorp
Classification: Likely benign for Early-infantile DEE. Last evaluated: 2025-10-23. Review status: criteria provided, single submitter. Criteria: Invitae Variant Classification Sherloc (09022015). Collection method: clinical testing. Allele origin: germline.

GeneDx
Classification: Likely benign. Last evaluated: 2016-03-30. Review status: criteria provided, single submitter. Criteria: GeneDx Variant Classification (06012015). Collection method: clinical testing. Allele origin: germline. Affected: yes.
Comment: This variant is considered likely benign or benign based on one or more of the following criteria: it is a conservative change, it occurs at a poorly conserved position in the protein, it is predicted to be benign by multiple in silico algorithms, and/or has population frequency not consistent with disease.